The following is an entry in ClinVar:

NM_002894.3(RBBP8):c.2203G>A (p.Glu735Lys)

Gene: RBBP8 (RB binding protein 8, endonuclease; plus strand). Cytogenetic location: 18q11.2.
Variant type: single nucleotide variant.
Coding change: c.2203G>A on transcript NM_002894.3 (MANE Select); coding-DNA position 2203, G replaced by A.
Protein change: p.Glu735Lys; replaces glutamic acid 735 with lysine.
Molecular consequence: missense variant.
Genome position (GRCh38, 1-based): chr18:23,001,645, G>A. VCF-style: chr18-23001645-G-A. GRCh37 (hg19) VCF-style: chr18-20581608-G-A.
Other names: c.2203G>A, p.Glu735Lys (NM_203291.2, NM_203292.2); short protein forms E735K.
Identifiers: ClinVar variation 1492407 (VCV001492407.8), dbSNP rs2045949901, ClinGen allele CA401781649.
Genomic context (GRCh38, chr18:23,001,645, plus strand): 5'-GATGAAGAAAGAAAAATGAATGATAGCTTGGAAGATATGTTTGATCGGACAACACATGAA[G>A]AGTATGAATCCTGTTTGGCAGACAGTTTCTCCCAAGCAGCAGATGAAGAGGAGGAATTGT-3'
Protein context (NP_002885.1, residues 725-745): EDMFDRTTHE[Glu735Lys]YESCLADSFS

ClinVar aggregate classification (germline): Uncertain significance (1 of 4 stars; one submission).

Allele frequency attached by ClinVar (database versions not stated): gnomAD exomes below 0.00001; TOPMed below 0.00001.
gnomAD v4.1: 2 of 1,614,092 alleles (0.00012%); highest among the groups gnomAD compares: Non-Finnish European, 0.00017%; no homozygotes.

Submission:

Labcorp Genetics (formerly Invitae), Labcorp
Classification: Uncertain significance. Last evaluated: 2021-04-29. Review status: criteria provided, single submitter. Criteria: Invitae Variant Classification Sherloc (09022015). Collection method: clinical testing. Allele origin: germline.
Comment: In summary, the available evidence is currently insufficient to determine the role of this variant in disease. Therefore, it has been classified as a Variant of Uncertain Significance. Algorithms developed to predict the effect of missense changes on protein structure and function are either unavailable or do not agree on the potential impact of this missense change (SIFT: "Deleterious"; PolyPhen-2: "Probably Damaging"; Align-GVGD: "Class C0"). This variant has not been reported in the literature in individuals with RBBP8-related conditions. This variant is not present in population databases (ExAC no frequency). This sequence change replaces glutamic acid with lysine at codon 735 of the RBBP8 protein (p.Glu735Lys). The glutamic acid residue is highly conserved and there is a small physicochemical difference between glutamic acid and lysine.